The following is an entry in ClinVar:

NM_022464.5(SIL1):c.1231C>G (p.Arg411Gly)

Gene: SIL1 (SIL1 nucleotide exchange factor; minus strand). Cytogenetic location: 5q31.2.
Variant type: single nucleotide variant.
Coding change: c.1231C>G on transcript NM_022464.5 (MANE Select); coding-DNA position 1231, C replaced by G.
Protein change: p.Arg411Gly; replaces arginine 411 with glycine.
Molecular consequence: missense variant.
Genome position (GRCh38, 1-based): chr5:138,947,272, G>C on the plus strand (C>G on the coding strand, the complement: SIL1 is on the minus strand). VCF-style: chr5-138947272-G-C. GRCh37 (hg19) VCF-style: chr5-138282961-G-C.
Other names: c.1231C>G, p.Arg411Gly (NM_001037633.2); short protein forms R411G.
Identifiers: ClinVar variation 2435943 (VCV002435943.7), dbSNP rs142943842, ClinGen allele CA3432343.

ClinVar aggregate classification (germline): Uncertain significance. Review status: criteria provided, multiple submitters, no conflicts (2 of 4 stars). 3 submissions from 3 submitters: Uncertain significance (3). Last evaluated 2025-07-16.

Conditions:
Marinesco-Sjögren syndrome (MSS). Also called: Marinesco-SjÃ¶gren syndrome; Marinesco-Sjogren Syndrome. Identifiers: Orphanet 559, MedGen C0024814, MONDO:0009567, OMIM 248800.
Inborn genetic diseases. Identifiers: MedGen C0950123, MeSH D030342.

Allele frequency attached by ClinVar (database versions not stated): 1000 Genomes Project 30x 0.00016; 1000 Genomes Project 0.00020.
gnomAD v4.1: 14 of 1,613,478 alleles (0.00087%); highest among the groups gnomAD compares: Admixed American, 0.0067%; no homozygotes.

Submissions (3):

Ambry Genetics
Classification: Uncertain significance for Inborn genetic diseases. Last evaluated: 2025-07-16. Review status: criteria provided, single submitter. Criteria: Ambry Variant Classification Scheme 2023. Collection method: clinical testing. Allele origin: germline.

Labcorp Genetics (formerly Invitae), Labcorp
Classification: Uncertain significance for Marinesco-Sjögren syndrome. Last evaluated: 2023-10-05. Review status: criteria provided, single submitter. Criteria: Invitae Variant Classification Sherloc (09022015). Collection method: clinical testing. Allele origin: germline.
Comment: This sequence change replaces arginine, which is basic and polar, with glycine, which is neutral and non-polar, at codon 411 of the SIL1 protein (p.Arg411Gly). This variant is present in population databases (rs142943842, gnomAD 0.0009%). This variant has not been reported in the literature in individuals affected with SIL1-related conditions. ClinVar contains an entry for this variant (Variation ID: 2435943). Advanced modeling of protein sequence and biophysical properties (such as structural, functional, and spatial information, amino acid conservation, physicochemical variation, residue mobility, and thermodynamic stability) performed at Invitae indicates that this missense variant is not expected to disrupt SIL1 protein function. In summary, the available evidence is currently insufficient to determine the role of this variant in disease. Therefore, it has been classified as a Variant of Uncertain Significance.

Revvity Omics, Revvity
Classification: Uncertain significance for Marinesco-Sjögren syndrome. Last evaluated: 2020-10-06. Review status: criteria provided, single submitter. Criteria: ACMG Guidelines, 2015. Collection method: clinical testing. Allele origin: germline.